The following is an entry in ClinVar:

ClinVar aggregate classification (germline): Likely benign. Review status: criteria provided, multiple submitters, no conflicts (2 of 4 stars). 2 submissions from 2 submitters: Likely benign (2). Last evaluated 2026-03-09.

Conditions:
PCNT-related disorder. Also called: PCNT-related condition.

Allele frequency attached by ClinVar (database versions not stated): TOPMed 0.00009.
gnomAD v4.1: 9 of 1,605,414 alleles (0.00056%); highest among the groups gnomAD compares: Non-Finnish European, 0.00017%; no homozygotes.

Submissions (2):

PreventionGenetics, part of Exact Sciences
Classification: Likely benign for PCNT-related condition. Last evaluated: 2026-03-09. Review status: criteria provided, single submitter. Criteria: ACMG Guidelines, 2015. Collection method: clinical testing. Allele origin: germline.
Comment: This variant is classified as likely benign based on ACMG/AMP sequence variant interpretation guidelines (Richards et al. 2015 PMID: 25741868, with internal and published modifications).

Labcorp Genetics (formerly Invitae), Labcorp
Classification: Likely benign. Last evaluated: 2024-07-05. Review status: criteria provided, single submitter. Criteria: Invitae Variant Classification Sherloc (09022015). Collection method: clinical testing. Allele origin: germline.

NM_006031.6(PCNT):c.4446+7A>T

Gene: PCNT (pericentrin; plus strand). Cytogenetic location: 21q22.3.
Variant type: single nucleotide variant.
Coding change: c.4446+7A>T on transcript NM_006031.6 (MANE Select); 7 bases into the intron after coding-DNA position 4446, A replaced by T.
Molecular consequence: intron variant.
Genome position (GRCh38, 1-based): chr21:46,397,501, A>T. VCF-style: chr21-46397501-A-T. GRCh37 (hg19) VCF-style: chr21-47817415-A-T.
Other names: c.4446+7A>T (NM_006031.5); c.4092+7A>T (NM_001315529.2).
Identifiers: ClinVar variation 3000455 (VCV003000455.4), dbSNP rs977814739, ClinGen allele CA322035674.